The following is an entry in ClinVar:

ClinVar aggregate classification (germline): Uncertain significance (1 of 4 stars; one submission).

Allele frequency attached by ClinVar (database versions not stated): gnomAD exomes below 0.00001.
gnomAD v4.1: 1 of 1,590,350 alleles (0.000063%); highest among the groups gnomAD compares: Non-Finnish European, 0.000086%; no homozygotes.

Submission:

Women's Health and Genetics/Laboratory Corporation of America, LabCorp
Classification: Uncertain significance. Last evaluated: 2019-07-01. Review status: criteria provided, single submitter. Criteria: LabCorp Variant Classification Summary - May 2015. Collection method: clinical testing. Allele origin: germline.
Comment: Variant summary: PKP2 c.2300-8T>C alters a non-conserved nucleotide located close to a canonical splice site and therefore could affect mRNA splicing, leading to a significantly altered protein sequence. 5/5 computational tools predict no significant impact on normal splicing. However, these predictions have yet to be confirmed by functional studies. The variant allele was found at a frequency of 4.2e-06 in 239472 control chromosomes (gnomAD). The available data on variant occurrences in the general population are insufficient to allow any conclusion about variant significance. To our knowledge, no occurrence of c.2300-8T>C in individuals affected with Cardiomyopathy and no experimental evidence demonstrating its impact on protein function have been reported. Co-occurrence with another pathogenic variant has been reported (MBPC3 c.1483C>T, p.Arg495Trp; Internal database), providing supporting evidence for a benign role. No clinical diagnostic laboratories have submitted clinical-significance assessments for this variant to ClinVar after 2014. Based on the evidence outlined above, the variant was classified as uncertain significance.

NM_001005242.3(PKP2):c.2168-8T>C

Gene: PKP2 (plakophilin 2; minus strand). Cytogenetic location: 12p11.21.
Variant type: single nucleotide variant.
Coding change: c.2168-8T>C on transcript NM_001005242.3 (MANE Select); 8 bases into the intron before coding-DNA position 2168, T replaced by C.
Molecular consequence: intron variant.
Genome position (GRCh38, 1-based): chr12:32,796,306, A>G on the plus strand (T>C on the coding strand, the complement: PKP2 is on the minus strand). VCF-style: chr12-32796306-A-G. GRCh37 (hg19) VCF-style: chr12-32949240-A-G.
Other names: c.2300-8T>C (NM_004572.4).
Identifiers: ClinVar variation 929065 (VCV000929065.1), dbSNP rs1565572439, ClinGen allele CA604480601.
Genomic context (GRCh38, chr12:32,796,306, plus strand): 5'-ACTCGGGACTGTGTCAGGAATGATGGAAACCAAATCAGGGAGAGTTTCTTTGGCTACAAA[A>G]TGAAAAAAAAAACAAAACACTTGATTAAAAAGATTGTTTCTTAATCCCAAGATCCCAATA-3'